The following is an entry in ClinVar:

NM_006946.4(SPTBN2):c.3475C>T (p.Arg1159Ter)

Gene: SPTBN2 (spectrin beta, non-erythrocytic 2; minus strand). Cytogenetic location: 11q13.2.
Variant type: single nucleotide variant.
Coding change: c.3475C>T on transcript NM_006946.4 (MANE Select); coding-DNA position 3475, C replaced by T.
Protein change: p.Arg1159Ter; replaces arginine 1159 with a stop codon.
Molecular consequence: nonsense.
Genome position (GRCh38, 1-based): chr11:66,700,624, G>A on the plus strand (C>T on the coding strand, the complement: SPTBN2 is on the minus strand). VCF-style: chr11-66700624-G-A. GRCh37 (hg19) VCF-style: chr11-66468095-G-A.
Other names: c.3496C>T, p.Arg1166Ter (NM_001411025.1); short protein forms R1159*, R1166*.
Identifiers: ClinVar variation 2584949 (VCV002584949.1), dbSNP rs1195128790, ClinGen allele CA381474487.

ClinVar aggregate classification (germline): Likely pathogenic (1 of 4 stars; one submission).

Conditions:
Autosomal recessive spinocerebellar ataxia 14. Also called: CEREBELLAR ATAXIA, AUTOSOMAL RECESSIVE, SPECTRIN-ASSOCIATED, 1. Identifiers: Orphanet 352403, MedGen C4706415, MONDO:0014159, OMIM 615386.

Allele frequency attached by ClinVar (database versions not stated): gnomAD exomes below 0.00001; TOPMed below 0.00001.
gnomAD v4.1: 4 of 1,608,194 alleles (0.00025%); highest among the groups gnomAD compares: Non-Finnish European, 0.00034%; no homozygotes.

Submission:

Neuberg Centre For Genomic Medicine, NCGM
Classification: Likely pathogenic for Autosomal recessive spinocerebellar ataxia 14. Review status: criteria provided, single submitter. Criteria: ACMG Guidelines, 2015. Collection method: clinical testing. Allele origin: germline. Inheritance: Autosomal recessive inheritance. Affected: yes.
Comment: The stop gained variant c.3475C>T (p.Arg1159Ter) in SPTBN2 gene has not been reported previously as a pathogenic variant nor as a benign variant, to our knowledge. The c.3475C>T variant is novel (not in any individuals) in gnomAD Exomes and 1000 Genomes. The nucleotide change c.3475C>T in SPTBN2 is predicted as conserved by GERP++ and PhyloP across 100 vertebrates. This variant is predicted to cause loss of normal protein function. Loss of function variants have been previously reported to be disease causing. For these reasons, this variant has been classified as Likely Pathogenic.